The following is an entry in ClinVar:

NM_001105206.3(LAMA4):c.1035G>A (p.Thr345=)

Gene: LAMA4 (laminin subunit alpha 4; minus strand). Cytogenetic location: 6q21.
Variant type: single nucleotide variant.
Coding change: c.1035G>A on transcript NM_001105206.3 (MANE Select); coding-DNA position 1035, G replaced by A.
Protein change: p.Thr345=; no amino-acid change (threonine 345 retained).
Molecular consequence: synonymous variant.
Genome position (GRCh38, 1-based): chr6:112,185,279, C>T on the plus strand (G>A on the coding strand, the complement: LAMA4 is on the minus strand). VCF-style: chr6-112185279-C-T. GRCh37 (hg19) VCF-style: chr6-112506481-C-T.
Other names: p.T338T:ACG>ACA; c.1014G>A, p.Thr338= (NM_001105207.3, NM_002290.5).
Identifiers: ClinVar variation 178056 (VCV000178056.24), dbSNP rs147069572, ClinGen allele CA295686.
Genomic context (GRCh38, chr6:112,185,279, plus strand): 5'-GAATACATACATACGTACCTTTTCAACTAATTCCTCTACGTCAGACAGAAGGCTTTTCAT[C>T]GTGTTCTCAGCATTGTTGATTTGTATCTTTCTTAGGGCGTATTGGTTTTCTCTTTCTGAC-3'
Protein context (NP_001098676.2, residues 335-355): RKIQINNAEN[Thr345=]MKSLLSDVEE

ClinVar aggregate classification (germline): Benign/Likely benign. Review status: criteria provided, multiple submitters, no conflicts (2 of 4 stars). 11 submissions from 11 submitters: Benign (4); Likely benign (2). 5 of the submissions do not count toward it. Last evaluated 2026-01-25.

Conditions:
Cardiovascular phenotype. Identifiers: MedGen CN230736.
Dilated cardiomyopathy 1JJ (CMD1JJ). Identifiers: Orphanet 154, MedGen C3808935, MONDO:0014095, OMIM 615235.

Allele frequency attached by ClinVar (database versions not stated): gnomAD 0.00060 and 0.00061; 1000 Genomes Project 0.00080; ExAC 0.00071; gnomAD exomes 0.00072; ESP Exome Variant Server 0.00046; TOPMed 0.00060; 1000 Genomes Project 30x 0.00062.
gnomAD v4.1: 1,057 of 1,613,490 alleles (0.066%); highest among the groups gnomAD compares: East Asian, 0.26%; no homozygotes.

Submissions (11):

Labcorp Genetics (formerly Invitae), Labcorp
Classification: Benign for Dilated cardiomyopathy 1JJ. Last evaluated: 2026-01-25. Review status: criteria provided, single submitter. Criteria: Invitae Variant Classification Sherloc (09022015). Collection method: clinical testing. Allele origin: germline.

Women's Health and Genetics/Laboratory Corporation of America, LabCorp
Classification: Benign. Last evaluated: 2023-11-14. Review status: criteria provided, single submitter. Criteria: LabCorp Variant Classification Summary - May 2015. Collection method: clinical testing. Allele origin: germline.

Ambry Genetics
Classification: Likely benign for Cardiovascular phenotype. Last evaluated: 2015-10-28. Review status: criteria provided, single submitter. Criteria: Ambry Variant Classification Scheme 2023. Collection method: clinical testing. Allele origin: germline.

Laboratory for Molecular Medicine, Mass General Brigham Personalized Medicine
Classification: Benign. Last evaluated: 2015-07-01. Review status: criteria provided, single submitter. Criteria: LMM Criteria. Collection method: clinical testing. Allele origin: germline. Observed: 4 variant alleles.
Comment: p.Thr338Thr in exon 9 of LAMA4: This variant is not expected to have clinical si gnificance because it does not alter an amino acid residue, is not located withi n the splice consensus sequence, and has been identified in 0.5% (39/8648) of Ea st Asian chromosomes by the Exome Aggregation Consortium (ExAC; dbSNP rs147069572).

GeneDx
Classification: Benign. Last evaluated: 2014-10-03. Review status: criteria provided, single submitter. Criteria: GeneDx Variant Classification (06012015). Collection method: clinical testing. Allele origin: germline. Affected: yes.
Comment: This variant is considered likely benign or benign based on one or more of the following criteria: it is a conservative change, it occurs at a poorly conserved position in the protein, it is predicted to be benign by multiple in silico algorithms, and/or has population frequency not consistent with disease.

Breakthrough Genomics
Classification: Likely benign. Review status: criteria provided, single submitter. Criteria: ACMG Guidelines, 2015. Collection method: not provided. Allele origin: germline. Inheritance: Autosomal dominant inheritance. Affected: yes.

Clinical Genetics DNA and cytogenetics Diagnostics Lab, Erasmus MC, Erasmus Medical Center
Classification: Likely benign. Review status: no assertion criteria provided. Collection method: clinical testing. Allele origin: germline. Affected: yes. Study: VKGL Data-share Consensus. Not counted in ClinVar's aggregate classification.

Clinical Genetics, Academic Medical Center
Classification: Benign. Review status: no assertion criteria provided. Collection method: clinical testing. Allele origin: germline. Affected: yes. Study: VKGL Data-share Consensus. Not counted in ClinVar's aggregate classification.

Diagnostic Laboratory, Department of Genetics, University Medical Center Groningen
Classification: Likely benign for Dilated cardiomyopathy 1JJ. Review status: no assertion criteria provided. Collection method: clinical testing. Allele origin: germline. Affected: yes. Study: VKGL Data-share Consensus. Not counted in ClinVar's aggregate classification.

Genome Diagnostics Laboratory, University Medical Center Utrecht
Classification: Likely benign. Review status: no assertion criteria provided. Collection method: clinical testing. Allele origin: germline. Affected: yes. Study: VKGL Data-share Consensus. Not counted in ClinVar's aggregate classification.

Joint Genome Diagnostic Labs from Nijmegen and Maastricht, Radboudumc and MUMC+
Classification: Likely benign. Review status: no assertion criteria provided. Collection method: clinical testing. Allele origin: germline. Affected: yes. Study: VKGL Data-share Consensus. Not counted in ClinVar's aggregate classification.